The following is an entry in ClinVar:

ClinVar aggregate classification (germline): Likely pathogenic (1 of 4 stars; one submission).

Conditions:
Autosomal recessive limb-girdle muscular dystrophy type 2A (LGMDR1). Also called: Calpainopathy; LEYDEN-MOEBIUS MUSCULAR DYSTROPHY; MUSCULAR DYSTROPHY, PELVOFEMORAL; Muscular dystrophy, limb-girdle, type 2A, Amish; Limb-girdle muscular dystrophy, type 2A. Identifiers: Orphanet 267, MedGen C1869123, MONDO:0009675, OMIM 253600. Disease mechanism: loss of function.

gnomAD v4.1: 1 of 1,614,106 alleles (0.000062%); highest among the groups gnomAD compares: Non-Finnish European, 0.000085%; no homozygotes.

Submission:

Natera, Inc.
Classification: Likely pathogenic for Limb-girdle muscular dystrophy type 2A. Last evaluated: 2025-12-09. Review status: criteria provided, single submitter. Criteria: Natera Variant Classification Schema (03/2026). Collection method: clinical testing. Allele origin: germline.
Comment: The c.755T>A variant in CAPN3 is a missense variant predicted to cause substitution of methionine to lysine at amino acid 252. This variant is rare in the general population with a frequency below the threshold expected for the associated phenotype(s). This variant has been observed in one or more individuals affected with the associated recessive disease, as either homozygous or compound heterozygous with a second variant (PMID: 19556129, 16141003). Computational prediction algorithms indicate this variant is likely to affect gene or protein function. Given the available evidence, this variant is classified as Likely Pathogenic.

Literature cited by the submitters: PubMed 19556129; PubMed 16141003.

NM_000070.3(CAPN3):c.755T>A (p.Met252Lys)

Gene: CAPN3 (calpain 3; plus strand). Cytogenetic location: 15q15.1.
Variant type: single nucleotide variant.
Coding change: c.755T>A on transcript NM_000070.3 (MANE Select); coding-DNA position 755, T replaced by A.
Protein change: p.Met252Lys; replaces methionine 252 with lysine.
Molecular consequence: missense variant.
Genome position (GRCh38, 1-based): chr15:42,389,050, T>A. VCF-style: chr15-42389050-T-A. GRCh37 (hg19) VCF-style: chr15-42681248-T-A.
Other names: c.755T>A, p.Met252Lys (NM_024344.2, NM_173087.2); short protein forms M252K.
Identifiers: ClinVar variation 4816395 (VCV004816395.1).